The following is an entry in ClinVar:

ClinVar aggregate classification (germline): Conflicting classifications of pathogenicity. Review status: criteria provided, conflicting classifications (1 of 4 stars). 4 submissions from 4 submitters: Pathogenic (1); Likely pathogenic (1); Uncertain significance (2). Last evaluated 2024-08-12.

Conditions:
Autosomal recessive limb-girdle muscular dystrophy type 2J (LGMDR10). Also called: Limb-girdle muscular dystrophy, type 2J; MUSCULAR DYSTROPHY, LIMB-GIRDLE, AUTOSOMAL RECESSIVE 10. Identifiers: Orphanet 140922, MedGen C1837342, MONDO:0012127, OMIM 608807.
Dilated cardiomyopathy 1G (CMD1G). Identifiers: Orphanet 154, MedGen C1858763, MONDO:0011400, OMIM 604145.

Allele frequency attached by ClinVar (database versions not stated): gnomAD exomes below 0.00001; ExAC 0.00001.
gnomAD v4.1: 2 of 1,610,446 alleles (0.00012%); highest among the groups gnomAD compares: Non-Finnish European, 0.00017%; no homozygotes.

Submissions (4):

Labcorp Genetics (formerly Invitae), Labcorp
Classification: Pathogenic for Dilated cardiomyopathy 1G; Autosomal recessive limb-girdle muscular dystrophy type 2J. Last evaluated: 2024-08-12. Review status: criteria provided, single submitter. Criteria: Invitae Variant Classification Sherloc (09022015). Collection method: clinical testing. Allele origin: germline.
Comment: This sequence change affects a donor splice site in intron 86 of the TTN gene. It is expected to disrupt RNA splicing and likely results in a truncated or disrupted TTN protein. This variant is not present in population databases (gnomAD no frequency). Disruption of this splice site has been observed in individuals with clinical features of autosomal recessive centronuclear myopathy (PMID: 29435569, 32815318). ClinVar contains an entry for this variant (Variation ID: 466942). Algorithms developed to predict the effect of sequence changes on RNA splicing suggest that this variant may disrupt the consensus splice site. This variant is located in the I band of TTN (PMID: 25589632). Truncating variants in this region have been reported in individuals affected with autosomal recessive centronuclear myopathy (PMID: 23975875, Invitae internal data). Truncating variants in this region have also been identified in individuals affected with autosomal dominant dilated cardiomyopathy and/or cardio-related conditions (PMID: 27869827, 32964742, Invitae internal data). For these reasons, this variant has been classified as Pathogenic.

Revvity Omics, Revvity
Classification: Uncertain significance. Last evaluated: 2024-06-28. Review status: criteria provided, single submitter. Criteria: ACMG Guidelines, 2015. Collection method: clinical testing. Allele origin: germline.

Eurofins Ntd Llc (ga)
Classification: Uncertain significance. Last evaluated: 2016-12-30. Review status: criteria provided, single submitter. Criteria: EGL Classification Definitions 2015. Collection method: clinical testing. Allele origin: germline. Observed: 1 variant allele, 1 heterozygote.

Neuberg Centre For Genomic Medicine, NCGM
Classification: Likely pathogenic for Autosomal recessive limb-girdle muscular dystrophy type 2J. Review status: criteria provided, single submitter. Criteria: ACMG Guidelines, 2015. Collection method: clinical testing. Allele origin: germline. Inheritance: Autosomal recessive inheritance. Affected: yes.
Comment: This sequence change affects a donor splice site in intron 86 of the TTN gene. It is expected to disrupt RNA splicing and likely results in a disrupted protein product, but is not anticipated to result in nonsense mediated decay. The variant is novel (not in any individuals) in gnomAD Exomes and 1000 Genomes. This variant has been reported to the ClinVar database as Uncertain Significance. This variant is present in the ExAC population database with a frequency of 0.002%. Although this is a rare truncating variant, truncating variants have been shown to be highly prevalent in the TTN gene in the general population and unaffected individuals (Akinrinade et al. 2015). However, truncating mutations in this region have also been reported to cause recessive myotubular myopathy (Ceyhan-Birsoy et al. 2013). The nucleotide change in TTN is predicted as conserved by GERP++ and PhyloP across 100 vertebrates. For these reasons, this variant has been classified as Likely Pathogenic

Literature cited by the submitters: PubMed 29435569 (cited by Labcorp Genetics (formerly Invitae), Labcorp); PubMed 32815318 (cited by Labcorp Genetics (formerly Invitae), Labcorp); PubMed 25589632 (cited by Labcorp Genetics (formerly Invitae), Labcorp); PubMed 23975875 (cited by Labcorp Genetics (formerly Invitae), Labcorp); PubMed 27869827 (cited by Labcorp Genetics (formerly Invitae), Labcorp); PubMed 32964742 (cited by Labcorp Genetics (formerly Invitae), Labcorp).

NM_001267550.2(TTN):c.25063+1G>A

Gene: TTN (titin; minus strand). Cytogenetic location: 2q31.2.
Variant type: single nucleotide variant.
Coding change: c.25063+1G>A on transcript NM_001267550.2 (MANE Select); the canonical splice donor site of the intron after coding-DNA position 25063, G replaced by A.
Molecular consequence: splice donor variant. On other transcripts: intron variant (3).
Genome position (GRCh38, 1-based): chr2:178,717,942, C>T on the plus strand (G>A on the coding strand, the complement: TTN is on the minus strand). VCF-style: chr2-178717942-C-T. GRCh37 (hg19) VCF-style: chr2-179582669-C-T.
Other names: c.13282+20140G>A (NM_003319.4); c.13858+20140G>A (NM_133437.4); c.13657+20140G>A (NM_133432.3); c.21331+1G>A (NM_133378.4); c.24112+1G>A (NM_001256850.1).
Identifiers: ClinVar variation 466942 (VCV000466942.11), dbSNP rs754247415, ClinGen allele CA2000298.